The following is an entry in ClinVar:

ClinVar aggregate classification (germline): Likely pathogenic (1 of 4 stars; one submission).

Conditions:
KBG syndrome (KBGS). Also called: ANKRD11-Related KBG Syndrome. Identifiers: Orphanet 2332, MedGen C0220687, MONDO:0007846, OMIM 148050.

Submission:

Laboratorio de Genetica e Diagnostico Molecular, Hospital Israelita Albert Einstein
Classification: Likely pathogenic for KBG syndrome. Last evaluated: 2024-01-30. Review status: criteria provided, single submitter. Criteria: ACMG Guidelines, 2015. Collection method: clinical testing. Allele origin: germline. Affected: yes.
Comment: ACMG classification criteria: PVS1 very strong, PM2 supporting

NM_013275.6(ANKRD11):c.921dup (p.Phe308fs)

Gene: ANKRD11 (ankyrin repeat domain 11; minus strand). Cytogenetic location: 16q24.3.
Variant type: Duplication.
Coding change: c.921dup on transcript NM_013275.6 (MANE Select); coding-DNA position 921, one base duplicated (C; older notation c.921dupC).
Protein change: p.Phe308fs; shifts the reading frame from phenylalanine 308.
Molecular consequence: frameshift variant.
Genome position (GRCh38, 1-based): chr16:89,285,621, G duplicated on the plus strand (C on the coding strand, the reverse complement: ANKRD11 is on the minus strand); the first of 2 consecutive G bases (chr16:89,285,621-89,285,622); duplicating either gives the same sequence. VCF-style (leftmost placement, unchanged base first): chr16-89285620-A-AG. GRCh37 (hg19) VCF-style: chr16-89352028-A-AG.
Other names: c.921dup, p.Phe308fs (NM_001256182.2, NM_001256183.2); short protein forms F308fs.
Identifiers: ClinVar variation 3901045 (VCV003901045.1).
Genomic context (GRCh38, chr16:89,285,620, plus strand): 5'-TGAGGCCTTTTTCGAACTCGGAGTCCGTGTTGTTGCCGTCGACTGAACTGGAAGGTGCGA[A>AG]GGATGGTGCGTCTTCCTCTTCTGAGCTCTCTGTTGGAGGTAGGAAGCGAGAGGTCACAGG-3'